The following is an entry in ClinVar:

ClinVar aggregate classification (germline): Benign/Likely benign. Review status: criteria provided, multiple submitters, no conflicts (2 of 4 stars). 4 submissions from 4 submitters: Benign (1); Likely benign (2). 1 of the submissions does not count toward it. Last evaluated 2025-12-11.

Conditions:
ACY1-related disorder. Also called: ACY1-related condition.

Allele frequency attached by ClinVar (database versions not stated): gnomAD exomes 0.00101 and 0.00247; ExAC 0.00290; ESP Exome Variant Server 0.00861; gnomAD 0.00926 and 0.00993; TOPMed 0.01002; 1000 Genomes Project 0.01018; 1000 Genomes Project 30x 0.01109.
gnomAD v4.1: 2,942 of 1,614,144 alleles (0.18%); highest among the groups gnomAD compares: African/African-American, 3%; 45 homozygotes.

Submissions (4):

Labcorp Genetics (formerly Invitae), Labcorp
Classification: Benign. Last evaluated: 2025-12-11. Review status: criteria provided, single submitter. Criteria: Invitae Variant Classification Sherloc (09022015). Collection method: clinical testing. Allele origin: germline.

Center for Pediatric Genomic Medicine, Children's Mercy Hospital and Clinics
Classification: Likely benign. Last evaluated: 2017-01-04. Review status: criteria provided, single submitter. Criteria: ACMG Guidelines, 2015. Collection method: clinical testing. Allele origin: germline.
ClinVar note: Converted during submission from Likely Benign to Likely benign.

Breakthrough Genomics
Classification: Likely benign. Review status: criteria provided, single submitter. Criteria: ACMG Guidelines, 2015. Collection method: not provided. Allele origin: germline. Inheritance: Autosomal recessive inheritance. Affected: yes.

PreventionGenetics, part of Exact Sciences
Classification: Benign for ACY1-related condition. Last evaluated: 2019-02-25. Review status: no assertion criteria provided. Collection method: clinical testing. Allele origin: germline. Not counted in ClinVar's aggregate classification.
Comment: This variant is classified as benign based on ACMG/AMP sequence variant interpretation guidelines (Richards et al. 2015 PMID: 25741868, with internal and published modifications).

NM_000666.3(ACY1):c.536A>G (p.Asn179Ser)

Genes: ABHD14A-ACY1 (ABHD14A-ACY1 readthrough; plus strand), ACY1 (aminoacylase 1; plus strand). Cytogenetic location: 3p21.2.
Variant type: single nucleotide variant.
Coding change: c.536A>G on transcript NM_000666.3 (MANE Select); coding-DNA position 536, A replaced by G.
Protein change: p.Asn179Ser; replaces asparagine 179 with serine.
Molecular consequence: missense variant.
Genome position (GRCh38, 1-based): chr3:51,986,614, A>G. VCF-style: chr3-51986614-A-G. GRCh37 (hg19) VCF-style: chr3-52020630-A-G.
Other names: c.806A>G, p.Asn269Ser (NM_001316331.2); c.536A>G, p.Asn179Ser (NM_001198895.2, NM_001198897.2); c.320A>G, p.Asn107Ser (NM_001198896.2); c.431A>G, p.Asn144Ser (NM_001198898.2); short protein forms N179S, N269S, N144S, N107S.
Identifiers: ClinVar variation 377348 (VCV000377348.15), dbSNP rs887540, ClinGen allele CA2428530.